The following is an entry in ClinVar:

ClinVar aggregate classification (germline): Conflicting classifications of pathogenicity. Review status: criteria provided, conflicting classifications (1 of 4 stars). 4 submissions from 4 submitters: Uncertain significance (2); Likely benign (2). Last evaluated 2025-12-29.

Conditions:
Hereditary cancer-predisposing syndrome. Also called: Tumor predisposition; Hereditary neoplastic syndrome; Neoplastic Syndromes, Hereditary; Hereditary Cancer Syndrome. Identifiers: Orphanet 140162, MedGen C0027672, MeSH D009386, MONDO:0015356.
Familial cancer of breast. Also called: BREAST CANCER, FAMILIAL; hereditary breast carcinoma; Hereditary breast cancer. Identifiers: Orphanet 227535, MedGen C0346153, MONDO:0016419, OMIM 114480. Disease mechanism: loss of function.
Ataxia-telangiectasia syndrome (AT). Also called: Ataxia telangiectasia (A-T); LOUIS-BAR SYNDROME; Ataxia-telangiectasia, complementation group E; Ataxia-telangiectasia, complementation group D; AT, COMPLEMENTATION GROUP C; ATAXIA-TELANGIECTASIA, COMPLEMENTATION GROUP A. Identifiers: Orphanet 100, MedGen C0004135, MONDO:0008840, OMIM 208900.

Allele frequency attached by ClinVar (database versions not stated): gnomAD exomes below 0.00001.

Submissions (4):

Ambry Genetics
Classification: Likely benign for Hereditary cancer-predisposing syndrome. Last evaluated: 2025-12-29. Review status: criteria provided, single submitter. Criteria: Ambry Variant Classification Scheme 2023. Collection method: clinical testing. Allele origin: germline.

Labcorp Genetics (formerly Invitae), Labcorp
Classification: Uncertain significance for Ataxia-telangiectasia syndrome. Last evaluated: 2025-11-09. Review status: criteria provided, single submitter. Criteria: Invitae Variant Classification Sherloc (09022015). Collection method: clinical testing. Allele origin: germline.
Comment: This sequence change replaces alanine, which is neutral and non-polar, with valine, which is neutral and non-polar, at codon 1605 of the ATM protein (p.Ala1605Val). This variant is not present in population databases (gnomAD no frequency). This variant has not been reported in the literature in individuals affected with ATM-related conditions. ClinVar contains an entry for this variant (Variation ID: 187163). Invitae Evidence Modeling of protein sequence and biophysical properties (such as structural, functional, and spatial information, amino acid conservation, physicochemical variation, residue mobility, and thermodynamic stability) indicates that this missense variant is not expected to disrupt ATM protein function with a negative predictive value of 95%. In summary, the available evidence is currently insufficient to determine the role of this variant in disease. Therefore, it has been classified as a Variant of Uncertain Significance.

Color Diagnostics, LLC DBA Color Health
Classification: Likely benign for Hereditary cancer-predisposing syndrome. Last evaluated: 2024-10-25. Review status: criteria provided, single submitter. Criteria: ACMG Guidelines, 2015. Collection method: clinical testing. Allele origin: germline.

KCCC/NGS Laboratory, Kuwait Cancer Control Center
Classification: Uncertain significance for Familial cancer of breast. Last evaluated: 2024-04-03. Review status: criteria provided, single submitter. Criteria: ACMG Guidelines, 2015. Collection method: clinical testing. Allele origin: germline. Inheritance: Autosomal dominant inheritance. Affected: yes. Observed: 1 heterozygote.
Comment: This sequence change replaces alanine, which is neutral and non-polar, with valine, which is neutral and non-polar, at codon 1605 of the ATM protein (p.Ala1605Val). This amino acid position is not well conserved ( PhyloP=6.88) . This variant is not present in population databases (gnomAD no frequency). This variant has not been reported in the literature in individuals affected with ATM-related conditions. ClinVar contains an entry for this variant (Variation ID: 187163). In addition, this alteration is predicted to be tolerated by in silico analysis. In summary, the available evidence is currently insufficient to determine the role of this variant in disease. Therefore, it has been classified as a Variant of Uncertain Significance.

Literature cited by the submitters: PubMed 40580951 (cited by Ambry Genetics).

NM_000051.4(ATM):c.4814C>T (p.Ala1605Val)

Gene: ATM (ATM serine/threonine kinase; plus strand). Cytogenetic location: 11q22.3.
Variant type: single nucleotide variant.
Coding change: c.4814C>T on transcript NM_000051.4 (MANE Select); coding-DNA position 4814, C replaced by T.
Protein change: p.Ala1605Val; replaces alanine 1605 with valine.
Molecular consequence: missense variant.
Genome position (GRCh38, 1-based): chr11:108,294,964, C>T. VCF-style: chr11-108294964-C-T. GRCh37 (hg19) VCF-style: chr11-108165691-C-T.
Other names: c.4814C>T, p.Ala1605Val (NM_001351834.2); short protein forms A1605V.
Identifiers: ClinVar variation 187163 (VCV000187163.23), dbSNP rs786203520, ClinGen allele CA196897.